The following is an entry in ClinVar:

NM_015978.3(TNNI3K):c.2416C>T (p.Pro806Ser)

Genes: TNNI3K (TNNI3 interacting kinase; plus strand), FPGT-TNNI3K (FPGT-TNNI3K readthrough; plus strand). Cytogenetic location: 1p31.1.
Variant type: single nucleotide variant.
Coding change: c.2416C>T on transcript NM_015978.3 (MANE Select); coding-DNA position 2416, C replaced by T.
Protein change: p.Pro806Ser; replaces proline 806 with serine.
Molecular consequence: missense variant.
Genome position (GRCh38, 1-based): chr1:74,540,298, C>T. VCF-style: chr1-74540298-C-T. GRCh37 (hg19) VCF-style: chr1-75005982-C-T.
Other names: c.2719C>T, p.Pro907Ser (NM_001112808.3); short protein forms P907S, P806S.
Identifiers: ClinVar variation 4763005 (VCV004763005.1).

ClinVar aggregate classification (germline): Uncertain significance (1 of 4 stars; one submission).

gnomAD v4.1: 2 of 1,611,700 alleles (0.00012%); highest among the groups gnomAD compares: Non-Finnish European, 0.00017%; no homozygotes.

Submission:

Labcorp Genetics (formerly Invitae), Labcorp
Classification: Uncertain significance. Last evaluated: 2026-01-20. Review status: criteria provided, single submitter. Criteria: Invitae Variant Classification Sherloc (09022015). Collection method: clinical testing. Allele origin: germline.
Comment: This sequence change replaces proline, which is neutral and non-polar, with serine, which is neutral and polar, at codon 806 of the TNNI3K protein (p.Pro806Ser). This variant is present in population databases (rs780491410, gnomAD 0.0009%). This variant has not been reported in the literature in individuals affected with TNNI3K-related conditions. An algorithm developed to predict the effect of missense changes on protein structure and function (PolyPhen-2) suggests that this variant is likely to be tolerated. In summary, the available evidence is currently insufficient to determine the role of this variant in disease. Therefore, it has been classified as a Variant of Uncertain Significance.